The following is an entry in ClinVar:

NM_004944.4(DNASE1L3):c.715A>G (p.Arg239Gly)

Gene: DNASE1L3 (deoxyribonuclease 1L3; minus strand). Cytogenetic location: 3p14.3.
Variant type: single nucleotide variant.
Coding change: c.715A>G on transcript NM_004944.4 (MANE Select); coding-DNA position 715, A replaced by G.
Protein change: p.Arg239Gly; replaces arginine 239 with glycine.
Molecular consequence: missense variant.
Genome position (GRCh38, 1-based): chr3:58,193,429, T>C on the plus strand (A>G on the coding strand, the complement: DNASE1L3 is on the minus strand). VCF-style: chr3-58193429-T-C. GRCh37 (hg19) VCF-style: chr3-58179156-T-C.
Other names: c.625A>G, p.Arg209Gly (NM_001256560.2); short protein forms R239G, R209G.
Identifiers: ClinVar variation 1497239 (VCV001497239.6), dbSNP rs1362901133, ClinGen allele CA353337817.

ClinVar aggregate classification (germline): Uncertain significance (1 of 4 stars; one submission).

Allele frequency attached by ClinVar (database versions not stated): gnomAD exomes below 0.00001; gnomAD 0.00001; TOPMed 0.00001.
gnomAD v4.1: 4 of 1,612,778 alleles (0.00025%); highest among the groups gnomAD compares: Middle Eastern, 0.016%; no homozygotes.

Submission:

Labcorp Genetics (formerly Invitae), Labcorp
Classification: Uncertain significance. Last evaluated: 2021-11-22. Review status: criteria provided, single submitter. Criteria: Invitae Variant Classification Sherloc (09022015). Collection method: clinical testing. Allele origin: germline.
Comment: In summary, the available evidence is currently insufficient to determine the role of this variant in disease. Therefore, it has been classified as a Variant of Uncertain Significance. Algorithms developed to predict the effect of missense changes on protein structure and function (SIFT, PolyPhen-2, Align-GVGD) all suggest that this variant is likely to be tolerated. This variant has not been reported in the literature in individuals affected with DNASE1L3-related conditions. This variant is not present in population databases (gnomAD no frequency). This sequence change replaces arginine, which is basic and polar, with glycine, which is neutral and non-polar, at codon 239 of the DNASE1L3 protein (p.Arg239Gly).